The following is an entry in ClinVar:

ClinVar aggregate classification (germline): Uncertain significance (1 of 4 stars; one submission).

Conditions:
Von Hippel-Lindau syndrome (VHLS). Also called: Von Hippel-Lindau; VHL syndrome; von Hippel–Lindau syndrome. Identifiers: Orphanet 892, MedGen C0019562, MONDO:0008667, OMIM 193300. Disease mechanism: loss of function.
Chuvash polycythemia. Also called: POLYCYTHEMIA, VHL-DEPENDENT. Identifiers: Orphanet 238557, MedGen C1837915, MONDO:0009892, OMIM 263400.

Submission:

Labcorp Genetics (formerly Invitae), Labcorp
Classification: Uncertain significance for Von Hippel-Lindau syndrome; Chuvash polycythemia. Last evaluated: 2022-08-31. Review status: criteria provided, single submitter. Criteria: Invitae Variant Classification Sherloc (09022015). Collection method: clinical testing. Allele origin: germline.
Comment: This sequence change affects codon 113 of the VHL mRNA. It is a 'silent' change, meaning that it does not change the encoded amino acid sequence of the VHL protein. It affects a nucleotide within the consensus splice site. In summary, the available evidence is currently insufficient to determine the role of this variant in disease. Therefore, it has been classified as a Variant of Uncertain Significance. Algorithms developed to predict the effect of sequence changes on RNA splicing suggest that this variant is not likely to affect RNA splicing. This variant has not been reported in the literature in individuals affected with VHL-related conditions. This variant is not present in population databases (gnomAD no frequency).

NM_000551.4(VHL):c.339A>C (p.Arg113=)

Gene: VHL (von Hippel-Lindau tumor suppressor; plus strand). Cytogenetic location: 3p25.3.
Variant type: single nucleotide variant.
Coding change: c.339A>C on transcript NM_000551.4 (MANE Select); coding-DNA position 339, A replaced by C.
Protein change: p.Arg113=; no amino-acid change (arginine 113 retained).
Molecular consequence: synonymous variant. On other transcripts: non-coding transcript variant (1).
Genome position (GRCh38, 1-based): chr3:10,142,186, A>C. VCF-style: chr3-10142186-A-C. GRCh37 (hg19) VCF-style: chr3-10183870-A-C.
Other names: c.339A>C, p.Arg113= (NM_001354723.2, NM_198156.3).
Identifiers: ClinVar variation 1911528 (VCV001911528.5), dbSNP rs2125125416, ClinGen allele CA432420688.